The following is an entry in ClinVar:

NM_000552.5(VWF):c.303C>T (p.Thr101=)

Gene: VWF (von Willebrand factor; minus strand). Cytogenetic location: 12p13.31.
Variant type: single nucleotide variant.
Coding change: c.303C>T on transcript NM_000552.5 (MANE Select); coding-DNA position 303, C replaced by T.
Protein change: p.Thr101=; no amino-acid change (threonine 101 retained).
Molecular consequence: synonymous variant.
Genome position (GRCh38, 1-based): chr12:6,110,886, G>A on the plus strand (C>T on the coding strand, the complement: VWF is on the minus strand). VCF-style: chr12-6110886-G-A. GRCh37 (hg19) VCF-style: chr12-6220052-G-A.
Other names: p.Thr101=.
Identifiers: ClinVar variation 4683709 (VCV004683709.1).

ClinVar aggregate classification (germline): Likely benign (1 of 4 stars; one submission).

gnomAD v4.1: 64 of 1,613,860 alleles (0.004%); highest among the groups gnomAD compares: Admixed American, 0.032%; no homozygotes.

Submission:

Mayo Clinic Laboratories, Mayo Clinic
Classification: Likely benign. Last evaluated: 2025-04-30. Review status: criteria provided, single submitter. Criteria: ACMG Guidelines, 2015. Collection method: clinical testing. Allele origin: germline. Observed: 1 variant allele.
Comment: BP4, BP7